The following is an entry in ClinVar:

NM_174916.3(UBR1):c.58C>G (p.Gln20Glu)

Genes: UBR1 (ubiquitin protein ligase E3 component n-recognin 1; minus strand), LOC130056936 (ATAC-STARR-seq lymphoblastoid active region 9309; plus strand). Cytogenetic location: 15q15.2.
Variant type: single nucleotide variant.
Coding change: c.58C>G on transcript NM_174916.3 (MANE Select); coding-DNA position 58, C replaced by G.
Protein change: p.Gln20Glu; replaces glutamine 20 with glutamic acid.
Molecular consequence: missense variant.
Genome position (GRCh38, 1-based): chr15:43,105,965, G>C on the plus strand (C>G on the coding strand, the complement: UBR1 is on the minus strand). VCF-style: chr15-43105965-G-C. GRCh37 (hg19) VCF-style: chr15-43398163-G-C.
Other names: c.58C>G (NM_174916.2); short protein forms Q20E.
Identifiers: ClinVar variation 2176364 (VCV002176364.2), dbSNP rs150176535, ClinGen allele CA7519143.
Genomic context (GRCh38, chr15:43,105,965, plus strand): 5'-GGGGGAGGACAAAAGAGACTTGCCTATAGGGACTTACAGATGCCAGACGCTGAGGGGTCT[G>C]GGGTAACTCCGCGCTGATTTCCATCCTCTCAGTACCTCCAGCCTCCTCGTCCGCCATCTT-3'
Protein context (NP_777576.1, residues 10-30): ERMEISAELP[Gln20Glu]TPQRLASWWD

ClinVar aggregate classification (germline): Uncertain significance. Review status: criteria provided, multiple submitters, no conflicts (2 of 4 stars). 2 submissions from 2 submitters: Uncertain significance (2). Last evaluated 2024-07-18.

Conditions:
Inborn genetic diseases. Identifiers: MedGen C0950123, MeSH D030342.

Allele frequency attached by ClinVar (database versions not stated): TOPMed 0.00009; gnomAD 0.00011; ExAC 0.00012; gnomAD exomes 0.00013; 1000 Genomes Project 30x 0.00016; 1000 Genomes Project 0.00020; ESP Exome Variant Server 0.00023.
gnomAD v4.1: 214 of 1,614,022 alleles (0.013%); highest among the groups gnomAD compares: Non-Finnish European, 0.013%; no homozygotes.

Submissions (2):

Ambry Genetics
Classification: Uncertain significance for Inborn genetic diseases. Last evaluated: 2024-07-18. Review status: criteria provided, single submitter. Criteria: Ambry Variant Classification Scheme 2023. Collection method: clinical testing. Allele origin: germline.

Labcorp Genetics (formerly Invitae), Labcorp
Classification: Uncertain significance. Last evaluated: 2022-04-12. Review status: criteria provided, single submitter. Criteria: Invitae Variant Classification Sherloc (09022015). Collection method: clinical testing. Allele origin: germline.
Comment: This sequence change replaces glutamine, which is neutral and polar, with glutamic acid, which is acidic and polar, at codon 20 of the UBR1 protein (p.Gln20Glu). This variant is present in population databases (rs150176535, gnomAD 0.05%). This variant has not been reported in the literature in individuals affected with UBR1-related conditions. Algorithms developed to predict the effect of missense changes on protein structure and function (SIFT, PolyPhen-2, Align-GVGD) all suggest that this variant is likely to be tolerated. In summary, the available evidence is currently insufficient to determine the role of this variant in disease. Therefore, it has been classified as a Variant of Uncertain Significance.